The following is an entry in ClinVar:

ClinVar aggregate classification (germline): Conflicting classifications of pathogenicity. Review status: criteria provided, conflicting classifications (1 of 4 stars). 3 submissions from 3 submitters: Uncertain significance (2); Likely benign (1). Last evaluated 2025-09-27.

Conditions:
FHL2-related disorder. Also called: FHL2-related condition.
Primary dilated cardiomyopathy (DCM). Also called: Dilated Cardiomyopathy. Identifiers: Orphanet 217604, MedGen C0007193, MeSH D002311, MONDO:0005021, HP:0001644. Inheritance: Various modes of inheritance.

Allele frequency attached by ClinVar (database versions not stated): gnomAD exomes 0.00004 and 0.00008; ExAC 0.00005; TOPMed 0.00006; gnomAD 0.00009 and 0.00013; 1000 Genomes Project 0.00060; 1000 Genomes Project 30x 0.00062.
gnomAD v4.1: 145 of 1,614,196 alleles (0.009%); highest among the groups gnomAD compares: Admixed American, 0.018%; no homozygotes.

Submissions (3):

Labcorp Genetics (formerly Invitae), Labcorp
Classification: Uncertain significance for Primary dilated cardiomyopathy. Last evaluated: 2025-09-27. Review status: criteria provided, single submitter. Criteria: Invitae Variant Classification Sherloc (09022015). Collection method: clinical testing. Allele origin: germline.
Comment: This sequence change replaces arginine, which is basic and polar, with histidine, which is basic and polar, at codon 131 of the FHL2 protein (p.Arg131His). This variant is present in population databases (rs371421189, gnomAD 0.01%). This variant has not been reported in the literature in individuals affected with FHL2-related conditions. ClinVar contains an entry for this variant (Variation ID: 506138). Invitae Evidence Modeling of protein sequence and biophysical properties (such as structural, functional, and spatial information, amino acid conservation, physicochemical variation, residue mobility, and thermodynamic stability) indicates that this missense variant is not expected to disrupt FHL2 protein function with a negative predictive value of 80%. In summary, the available evidence is currently insufficient to determine the role of this variant in disease. Therefore, it has been classified as a Variant of Uncertain Significance.

PreventionGenetics, part of Exact Sciences
Classification: Uncertain significance for FHL2-related condition. Last evaluated: 2022-10-17. Review status: criteria provided, single submitter. Criteria: ACMG Guidelines, 2015. Collection method: clinical testing. Allele origin: germline.
Comment: The FHL2 c.392G>A variant is predicted to result in the amino acid substitution p.Arg131His. To our knowledge, this variant has not been reported in the literature. This variant is reported in 0.015% of alleles in individuals of East Asian descent in gnomAD. A different nucleotide substitution affecting the same amino acid (p.Arg131Cys) has been reported in an individual with dilated cardiomyopathy (Table S1B, Walsh et al. 2017. PubMed ID: 27532257). At this time, the clinical significance of the c.392G>A (p.Arg131His) variant is uncertain due to the absence of conclusive functional and genetic evidence.

Laboratory for Molecular Medicine, Mass General Brigham Personalized Medicine
Classification: Likely benign. Last evaluated: 2017-09-04. Review status: criteria provided, single submitter. Criteria: LMM Criteria. Collection method: clinical testing. Allele origin: germline. Observed: 1 variant allele.
Comment: p.Arg131His in exon 4 of FHL2: This variant is not expected to have clinical sig nificance due to a lack of conservation across species, including mammals. Of no te, 4 mammals have a Histidine (His) at this position despite high nearby amino acid conservation. In addition, computational prediction tools do not suggest a high likelihood of impact to the protein. This variant has been identified in 5/ 126526 European chromosomes by the Genome Aggregation Database (gnomAD; dbSNP rs371421189).

NM_001318895.3(FHL2):c.392G>A (p.Arg131His)

Genes: C2orf49 (chromosome 2 open reading frame 49; plus strand), FHL2 (four and a half LIM domains 2; minus strand). Cytogenetic location: 2q12.2.
Variant type: single nucleotide variant.
Coding change: c.392G>A on transcript NM_001318895.3 (MANE Select); coding-DNA position 392, G replaced by A.
Protein change: p.Arg131His; replaces arginine 131 with histidine.
Molecular consequence: missense variant.
Genome position (GRCh38, 1-based): chr2:105,367,679, C>T on the plus strand (G>A on the coding strand, the complement: FHL2 is on the minus strand). VCF-style: chr2-105367679-C-T. GRCh37 (hg19) VCF-style: chr2-105984136-C-T.
Other names: c.392G>A, p.Arg131His (NM_001039492.3, NM_001318894.1, NM_001318896.2 and 4 more transcripts); c.50G>A, p.Arg17His (NM_001318897.2, NM_001318898.2); c.68G>A, p.Arg23His (NM_001318899.2); short protein forms R131H, R23H, R17H.
Identifiers: ClinVar variation 506138 (VCV000506138.12), dbSNP rs371421189, ClinGen allele CA1814742.